The following is an entry in ClinVar:

NM_001005242.3(PKP2):c.540C>A (p.His180Gln)

Gene: PKP2 (plakophilin 2; minus strand). Cytogenetic location: 12p11.21.
Variant type: single nucleotide variant.
Coding change: c.540C>A on transcript NM_001005242.3 (MANE Select); coding-DNA position 540, C replaced by A.
Protein change: p.His180Gln; replaces histidine 180 with glutamine.
Molecular consequence: missense variant.
Genome position (GRCh38, 1-based): chr12:32,878,340, G>T on the plus strand (C>A on the coding strand, the complement: PKP2 is on the minus strand). VCF-style: chr12-32878340-G-T. GRCh37 (hg19) VCF-style: chr12-33031274-G-T.
Other names: c.540C>A, p.His180Gln (NM_001407155.1, NM_001407156.1, NM_001407157.1 and 2 more transcripts); c.213C>A, p.His71Gln (NM_001407158.1, NM_001407159.1, NM_001407160.1 and 1 more transcripts); short protein forms H180Q, H71Q.
Identifiers: ClinVar variation 3706884 (VCV003706884.2).

ClinVar aggregate classification (germline): Uncertain significance (1 of 4 stars; one submission).

Conditions:
Arrhythmogenic right ventricular dysplasia 9 (ARVD9). Also called: Arrhythmogenic Right Ventricular Dysplasia/Cardiomyopathy 9; ARRHYTHMOGENIC RIGHT VENTRICULAR DYSPLASIA, FAMILIAL, 9. Identifiers: MedGen C1836906, MONDO:0012180, OMIM 609040.

gnomAD v4.1: 2 of 1,613,076 alleles (0.00012%); highest among the groups gnomAD compares: Admixed American, 0.0033%; no homozygotes.

Submission:

Labcorp Genetics (formerly Invitae), Labcorp
Classification: Uncertain significance for Arrhythmogenic right ventricular dysplasia 9. Last evaluated: 2024-09-23. Review status: criteria provided, single submitter. Criteria: Invitae Variant Classification Sherloc (09022015). Collection method: clinical testing. Allele origin: germline.
Comment: This sequence change replaces histidine, which is basic and polar, with glutamine, which is neutral and polar, at codon 180 of the PKP2 protein (p.His180Gln). This variant is present in population databases (no rsID available, gnomAD 0.003%). This variant has not been reported in the literature in individuals affected with PKP2-related conditions. An algorithm developed to predict the effect of missense changes on protein structure and function outputs the following: PolyPhen-2: "Benign". The glutamine amino acid residue is found in multiple mammalian species, which suggests that this missense change does not adversely affect protein function. In summary, the available evidence is currently insufficient to determine the role of this variant in disease. Therefore, it has been classified as a Variant of Uncertain Significance.